The following is an entry in ClinVar:

ClinVar aggregate classification (germline): Uncertain significance. Review status: criteria provided, multiple submitters, no conflicts (2 of 4 stars). 2 submissions from 2 submitters: Uncertain significance (2). Last evaluated 2025-10-28.

Allele frequency attached by ClinVar (database versions not stated): gnomAD exomes below 0.00001; ExAC 0.00001.

Submissions (2):

Labcorp Genetics (formerly Invitae), Labcorp
Classification: Uncertain significance. Last evaluated: 2025-10-28. Review status: criteria provided, single submitter. Criteria: Invitae Variant Classification Sherloc (09022015). Collection method: clinical testing. Allele origin: germline.
Comment: This sequence change replaces serine, which is neutral and polar, with cysteine, which is neutral and slightly polar, at codon 327 of the GALNT12 protein (p.Ser327Cys). This variant is present in population databases (rs761786369, gnomAD 0.0009%). This variant has not been reported in the literature in individuals affected with GALNT12-related conditions. ClinVar contains an entry for this variant (Variation ID: 642914). Invitae Evidence Modeling of protein sequence and biophysical properties (such as structural, functional, and spatial information, amino acid conservation, physicochemical variation, residue mobility, and thermodynamic stability) indicates that this missense variant is not expected to disrupt GALNT12 protein function with a negative predictive value of 80%. In summary, the available evidence is currently insufficient to determine the role of this variant in disease. Therefore, it has been classified as a Variant of Uncertain Significance.

Ambry Genetics
Classification: Uncertain significance. Last evaluated: 2025-09-13. Review status: criteria provided, single submitter. Criteria: Ambry Variant Classification Scheme 2023. Collection method: clinical testing. Allele origin: germline.
Comment: The p.S327C variant (also known as c.980C>G), located in coding exon 5 of the GALNT12 gene, results from a C to G substitution at nucleotide position 980. The serine at codon 327 is replaced by cysteine, an amino acid with dissimilar properties. This amino acid position is conserved. In addition, the in silico prediction for this alteration is inconclusive. Based on the available evidence, the clinical significance of this variant remains unclear.

NM_024642.5(GALNT12):c.980C>G (p.Ser327Cys)

Gene: GALNT12 (polypeptide N-acetylgalactosaminyltransferase 12; plus strand). Cytogenetic location: 9q22.33.
Variant type: single nucleotide variant.
Coding change: c.980C>G on transcript NM_024642.5 (MANE Select); coding-DNA position 980, C replaced by G.
Protein change: p.Ser327Cys; replaces serine 327 with cysteine.
Molecular consequence: missense variant.
Genome position (GRCh38, 1-based): chr9:98,835,311, C>G. VCF-style: chr9-98835311-C-G. GRCh37 (hg19) VCF-style: chr9-101597593-C-G.
Other names: short protein forms S327C.
Identifiers: ClinVar variation 642914 (VCV000642914.9), dbSNP rs761786369, ClinGen allele CA5154127.